The following is an entry in ClinVar:

ClinVar aggregate classification (germline): Uncertain significance. Review status: criteria provided, multiple submitters, no conflicts (2 of 4 stars). 2 submissions from 2 submitters: Uncertain significance (2). Last evaluated 2025-07-30.

Conditions:
RPGRIP1-related disorder. Also called: RPGRIP1-related condition.

gnomAD v4.1: 3 of 1,613,936 alleles (0.00019%); highest among the groups gnomAD compares: Middle Eastern, 0.016%; no homozygotes.

Submissions (2):

PreventionGenetics, part of Exact Sciences
Classification: Uncertain significance for RPGRIP1-related condition. Last evaluated: 2025-07-30. Review status: criteria provided, single submitter. Criteria: ACMG Guidelines, 2015. Collection method: clinical testing. Allele origin: germline.
Comment: The RPGRIP1 c.1453A>G variant is predicted to result in the amino acid substitution p.Asn485Asp. To our knowledge, this variant has not been reported in the literature. This variant is reported in 0.00089% of alleles in individuals of European (Non-Finnish) descent in gnomAD. At this time, the clinical significance of this variant is uncertain due to the absence of conclusive functional and genetic evidence.

Blueprint Genetics
Classification: Uncertain significance. Last evaluated: 2022-04-25. Review status: criteria provided, single submitter. Criteria: ACMG Guidelines, 2015. Collection method: clinical testing. Allele origin: germline.

NM_020366.4(RPGRIP1):c.1453A>G (p.Asn485Asp)

Gene: RPGRIP1 (RPGR interacting protein 1; plus strand). Cytogenetic location: 14q11.2.
Variant type: single nucleotide variant.
Coding change: c.1453A>G on transcript NM_020366.4 (MANE Select); coding-DNA position 1453, A replaced by G.
Protein change: p.Asn485Asp; replaces asparagine 485 with aspartic acid.
Molecular consequence: missense variant. On other transcripts: 5 prime UTR variant (1).
Genome position (GRCh38, 1-based): chr14:21,320,163, A>G. VCF-style: chr14-21320163-A-G. GRCh37 (hg19) VCF-style: chr14-21788322-A-G.
Other names: c.1453A>G (NM_020366.3); c.379A>G, p.Asn127Asp (NM_001377523.1, NM_001377948.1, NM_001377949.1 and 1 more transcripts); c.-120A>G (NM_001377951.1); short protein forms N485D, N127D.
Identifiers: ClinVar variation 4920881 (VCV004920881.2).